The following is an entry in ClinVar:

ClinVar aggregate classification (germline): Uncertain significance (1 of 4 stars; one submission).

Submission:

Ambry Genetics
Classification: Uncertain significance. Last evaluated: 2023-04-03. Review status: criteria provided, single submitter. Criteria: Ambry Variant Classification Scheme 2023. Collection method: clinical testing. Allele origin: germline.
Comment: The p.I143T variant (also known as c.428T>C), located in coding exon 3 of the POLQ gene, results from a T to C substitution at nucleotide position 428. The isoleucine at codon 143 is replaced by threonine, an amino acid with similar properties. This amino acid position is conserved. In addition, the in silico prediction for this alteration is inconclusive. Since supporting evidence is limited at this time, the clinical significance of this alteration remains unclear.

NM_199420.4(POLQ):c.428T>C (p.Ile143Thr)

Gene: POLQ (DNA polymerase theta; minus strand). Cytogenetic location: 3q13.33.
Variant type: single nucleotide variant.
Coding change: c.428T>C on transcript NM_199420.4 (MANE Select); coding-DNA position 428, T replaced by C.
Protein change: p.Ile143Thr; replaces isoleucine 143 with threonine.
Molecular consequence: missense variant.
Genome position (GRCh38, 1-based): chr3:121,541,395, A>G on the plus strand (T>C on the coding strand, the complement: POLQ is on the minus strand). VCF-style: chr3-121541395-A-G. GRCh37 (hg19) VCF-style: chr3-121260242-A-G.
Other names: short protein forms I143T.
Identifiers: ClinVar variation 2561738 (VCV002561738.2), dbSNP rs2546825884, ClinGen allele CA354092910.